The following is an entry in ClinVar:

NM_004771.4(MMP20):c.954-2A>T

Gene: MMP20 (matrix metallopeptidase 20; minus strand). Cytogenetic location: 11q22.2.
Variant type: single nucleotide variant.
Coding change: c.954-2A>T on transcript NM_004771.4 (MANE Select); the canonical splice acceptor site of the intron before coding-DNA position 954, A replaced by T.
Molecular consequence: splice acceptor variant.
Genome position (GRCh38, 1-based): chr11:102,594,759, T>A on the plus strand (A>T on the coding strand, the complement: MMP20 is on the minus strand). VCF-style: chr11-102594759-T-A. GRCh37 (hg19) VCF-style: chr11-102465490-T-A.
Other names: NC_000011.9:g.102465490T>A; IVS6AS, A-T, -2.
Identifiers: ClinVar variation 5428 (VCV000005428.51), dbSNP rs140213840, ClinGen allele CA117539.
Genomic context (GRCh38, chr11:102,594,759, plus strand): 5'-TGGTAATAGTGCTGGGCCGAATTCCTGTCCGCAAGTGAACCTGCCGTCTCCAGAAAATCC[T>A]ATGGGACATTCCAAAAAAAAAAAAAAAAAAAATCAAGATCAATGATTGATTTACATATAA-3'

ClinVar aggregate classification (germline): Pathogenic. Review status: criteria provided, multiple submitters, no conflicts (2 of 4 stars). 11 submissions from 11 submitters: Pathogenic (9). 2 of the submissions do not count toward it. Last evaluated 2026-01-20.

Conditions:
MMP20-related disorder. Also called: MMP20-related condition.
Inborn genetic diseases. Identifiers: MedGen C0950123, MeSH D030342.
Amelogenesis imperfecta hypomaturation type 2A2. Also called: AMELOGENESIS IMPERFECTA, PIGMENTED HYPOMATURATION TYPE, 2; Amelogenesis imperfecta, type IIA2; Amelogenesis imperfecta, hypomaturation type, IIA2. Identifiers: Orphanet 88661, MedGen C2675858, MONDO:0012926, OMIM 612529. Disease mechanism: loss of function.

Allele frequency attached by ClinVar (database versions not stated): gnomAD exomes 0.00106; ExAC 0.00108; 1000 Genomes Project 30x 0.00156; 1000 Genomes Project 0.00180; gnomAD 0.00218 and 0.00224; TOPMed 0.00218; ESP Exome Variant Server 0.00231.
gnomAD v4.1: 3,338 of 1,550,600 alleles (0.22%); highest among the groups gnomAD compares: Non-Finnish European, 0.26%; 5 homozygotes.

Submissions (12):

Variantyx, Inc.
Classification: Pathogenic for Amelogenesis imperfecta hypomaturation type 2A2. Last evaluated: 2026-01-20. Review status: criteria provided, single submitter. Criteria: Variantyx Assertion Criteria 2022. Collection method: clinical testing. Allele origin: germline. Inheritance: Autosomal recessive inheritance. Affected: yes.
Comment: This is a canonical splicing variant in the MMP20 gene (OMIM: 604629). Pathogenic variants in this gene have been associated with autosomal recessive amelogenesis imperfecta, type IIA2. This splicing variant is expected to result in loss of function, which is a known disease mechanism for MMP20 in this disorder (PMID: 32495503, 15744043) (PVS1). This variant has a 0.2634% maximum allele frequency in non-founder control populations. Based on the current evidence, this variant is classified as pathogenic for autosomal recessive amelogenesis imperfecta, type IIA2.

Ambry Genetics
Classification: Pathogenic for Inborn genetic diseases. Last evaluated: 2025-06-12. Review status: criteria provided, single submitter. Criteria: Ambry Variant Classification Scheme 2023. Collection method: clinical testing. Allele origin: germline.
Comment: The c.954-2A>T intronic variant results from an A to T substitution two nucleotide(s) before coding exon 7 of the MMP20 gene. Alterations that disrupt the canonical splice site are expected to result in aberrant splicing. A resulting transcript is predicted to be in-frame and is not expected to trigger nonsense-mediated mRNAdecay, although direct evidence is unavailable. Based on data from gnomAD, the T allele has an overall frequency of 0.108% (281/260750) total alleles studied. The highest observed frequency was 0.192% (227/118558) of European (non-Finnish) alleles. This variant has been identified in the homozygous state and/or in conjunction with other MMP20 variant(s) in individual(s) with features consistent with MMP20-related amelogenesis imperfecta; in at least one instance, the variants were identified in trans (Kim, 2005; Wang, 2020; Nikolopoulos, 2021; external communication). This nucleotide position is highly conserved in available vertebrate species. In silico splice site analysis predicts that this alteration will weaken the native splice acceptor site and will result in the creation or strengthening of a novel splice acceptor site. Based on the available evidence, this alteration is classified as pathogenic.

Blueprint Genetics
Classification: Pathogenic for MMP20-related disorders. Last evaluated: 2024-10-16. Review status: criteria provided, single submitter. Criteria: ACMG Guidelines, 2015. Collection method: clinical testing. Allele origin: germline. Affected: yes. Observed: 5 variant alleles.

Victorian Clinical Genetics Services, Murdoch Childrens Research Institute
Classification: Pathogenic for Amelogenesis imperfecta hypomaturation type 2A2. Last evaluated: 2024-09-20. Review status: criteria provided, single submitter. Criteria: ACMG Guidelines, 2015. Collection method: clinical testing. Allele origin: germline. Inheritance: Autosomal recessive inheritance. Affected: yes.
Comment: Based on the classification scheme VCGS_Germline_v1.3.4, this variant is classified as Pathogenic. Following criteria are met: 0102 - Loss of function is a known mechanism of disease in this gene and is associated with amelogenesis imperfecta, type IIA2 (MIM#612529). (I) 0106 - This gene is associated with autosomal recessive disease. (I) 0211 - Canonical splice site variant without proven consequence on splicing (no functional evidence available). (SP) 0251 - This variant is heterozygous. (I) 0304 - Variant is present in gnomAD (v3) <0.01 for a recessive condition (234 heterozygotes, 1 homozygote). (SP) 0505 - Abnormal splicing is predicted by in silico tools and affected nucleotide is highly conserved. (SP) 0801 - This variant has strong previous evidence of pathogenicity in unrelated individuals. This variant has been classified as pathogenic by multiple clinical laboratories in ClinVar, and as a VUS in one older entry. This variant has also been observed in homozygous and compound heterozygous individuals with amelogenesis imperfecta, including individuals compound heterozygous with c.103A>C (PMID: 15744043, 33600052, 37228816, 26502894). (SP) 1201- Heterozygous variant detected in trans with a second pathogenic heterozygous variant, NM_004771.3(MMP20):c.103A>C p.(Arg35=), in a recessive disease. (I) Legend: (SP) - Supporting pathogenic, (I) - Information, (SB) - Supporting benign

Department of Pathology and Laboratory Medicine, Sinai Health System
Classification: Pathogenic for Amelogenesis imperfecta hypomaturation type 2A2. Last evaluated: 2023-10-23. Review status: criteria provided, single submitter. Criteria: ACMG Guidelines, 2015. Collection method: research. Allele origin: germline.

CeGaT Center for Human Genetics Tuebingen
Classification: Pathogenic. Last evaluated: 2023-09-01. Review status: criteria provided, single submitter. Criteria: CeGaT Center For Human Genetics Tuebingen Variant Classification Criteria Version 2. Collection method: clinical testing. Allele origin: germline. Affected: yes. Observed: 1 variant allele.
Comment: MMP20: PVS1, PM3, PM2:Supporting

HudsonAlpha Institute for Biotechnology
Classification: Pathogenic for Amelogenesis imperfecta hypomaturation type 2A2. Last evaluated: 2022-11-09. Review status: criteria provided, single submitter. Criteria: ACMG Guidelines, 2015. Collection method: research. Allele origin: biparental. Affected: yes. Observed: 1 variant allele. Study: HudsonAlpha-AGHI-WGS.
Comment: ACMG codes:PVS1_VeryStrong, PM2_Supporting, PM3_Strong

GeneDx
Classification: Pathogenic. Last evaluated: 2022-06-15. Review status: criteria provided, single submitter. Criteria: GeneDx Variant Classification Process June 2021. Collection method: clinical testing. Allele origin: germline. Affected: yes.
Comment: Canonical splice site variant in a gene for which loss-of-function is a known mechanism of disease; This variant is associated with the following publications: (PMID: 31980526, 25525159, 15744043, 22243262, 28659819, 26502894, 21597265, 16246936, 26124219, 16838342, 32495503, 31589614, 33600052)

Labcorp Genetics (formerly Invitae), Labcorp
Classification: Pathogenic. Last evaluated: 2019-05-13. Review status: criteria provided, single submitter. Criteria: Invitae Variant Classification Sherloc (09022015). Collection method: clinical testing. Allele origin: germline.
Comment: This sequence change affects an acceptor splice site in intron 6 of the MMP20 gene. It is expected to disrupt RNA splicing and likely results in an absent or disrupted protein product. This variant is present in population databases (rs140213840, ExAC 0.2%). This variant has been reported in several families and individuals affected with autosomal recessive pigmented hypomaturation amelogenesis imperfecta (PMID: 15744043, 22243262, 21597265, 26502894). ClinVar contains an entry for this variant (Variation ID: 5428). Donor and acceptor splice site variants typically lead to a loss of protein function (PMID: 16199547), and loss-of-function variants in MMP20 are known to be pathogenic (PMID: 18096894, 23625376). For these reasons, this variant has been classified as Pathogenic.

PreventionGenetics, part of Exact Sciences
Classification: Pathogenic for MMP20-related condition. Last evaluated: 2024-09-03. Review status: no assertion criteria provided. Collection method: clinical testing. Allele origin: germline. Not counted in ClinVar's aggregate classification.
Comment: The MMP20 c.954-2A>T variant is predicted to disrupt the AG splice acceptor site and interfere with normal splicing. This variant has been previously reported in the homozygous or compound heterozygous state in several individuals with autosomal recessive amelogenesis imperfecta (Kim et al. 2005. PubMed ID: 15744043; Chan et al. 2011. PubMed ID: 22243262; Wright et al. 2011. PubMed ID: 21597265; Gasse et al. 2013. PubMed ID: 23625376; Prasad et al. 2016. PubMed ID: 26502894; Wang et al. 2020. PubMed ID: 32495503). It has also been identified in a genome sequencing cohort and interpreted as likely pathogenic (Hou et al. 2020. PubMed ID: 31980526). This variant is reported in 0.19% of alleles in individuals of European (Non-Finnish) descent in gnomAD. Variants that disrupt the consensus splice acceptor site in MMP20 are expected to be pathogenic. This variant is interpreted as pathogenic.

OMIM
Classification: Pathogenic for AMELOGENESIS IMPERFECTA, HYPOMATURATION TYPE, IIA2. Last evaluated: 2005-03-01. Review status: no assertion criteria provided. Collection method: literature only. Allele origin: germline. Not counted in ClinVar's aggregate classification.

Dr. Peter K. Rogan Lab, Western University
No classification provided (evidence only). Condition: Gastric cancer. Review status: no classification provided. Collection method: in vitro. Allele origin: not applicable. Functional consequence: retained intron. Not counted in ClinVar's aggregate classification.

Literature cited by the submitters: PubMed 15744043 (cited by 5 submitters); PubMed 32495503 (cited by Variantyx, Inc. and Ambry Genetics); PubMed 33600052 (cited by Ambry Genetics and Victorian Clinical Genetics Services, Murdoch Childrens Research Institute); PubMed 26502894 (cited by Victorian Clinical Genetics Services, Murdoch Childrens Research Institute and Labcorp Genetics (formerly Invitae), Labcorp); PubMed 37228816 (cited by Victorian Clinical Genetics Services, Murdoch Childrens Research Institute); PubMed 23625376 (cited by Labcorp Genetics (formerly Invitae), Labcorp); PubMed 22243262 (cited by Labcorp Genetics (formerly Invitae), Labcorp); PubMed 21597265 (cited by Labcorp Genetics (formerly Invitae), Labcorp); PubMed 18096894 (cited by Labcorp Genetics (formerly Invitae), Labcorp).